The following is an entry in ClinVar:

ClinVar aggregate classification (germline): Uncertain significance (1 of 4 stars; one submission).

Conditions:
Wilson disease (WND). Also called: Wilson's disease. Identifiers: Orphanet 905, MedGen C0019202, MONDO:0010200, OMIM 277900. Disease mechanism: loss of function.

Submission:

All of Us Research Program, National Institutes of Health
Classification: Uncertain significance for Wilson disease. Last evaluated: 2024-08-23. Review status: criteria provided, single submitter. Criteria: ACMG Guidelines, 2015. Collection method: clinical testing. Allele origin: germline. Inheritance: Autosomal recessive inheritance. Observed: 1 variant allele, 1 heterozygote.
Comment: This missense variant replaces alanine with serine at codon 1250 of the ATP7B protein. Computational prediction suggests that this variant may have deleterious impact on protein structure and function (internally defined REVEL score threshold >= 0.7, PMID: 27666373). To our knowledge, functional studies have not been reported for this variant. This variant has not been reported in individuals affected with ATP7B-related disorders in the literature. This variant has not been identified in the general population by the Genome Aggregation Database (gnomAD). The available evidence is insufficient to determine the role of this variant in disease conclusively. Therefore, this variant is classified as a Variant of Uncertain Significance.

This study involves interpretation of variants in research participants for the purpose of population health screening. Participant phenotype was not available at the time of variant classification. Additional details can be found in publication PMID: 35346344, PMCID: PMC8962531

NM_000053.4(ATP7B):c.3748G>T (p.Ala1250Ser)

Gene: ATP7B (ATPase copper transporting beta; minus strand). Cytogenetic location: 13q14.3.
Variant type: single nucleotide variant.
Coding change: c.3748G>T on transcript NM_000053.4 (MANE Select); coding-DNA position 3748, G replaced by T.
Protein change: p.Ala1250Ser; replaces alanine 1250 with serine.
Molecular consequence: missense variant. On other transcripts: intron variant (1).
Genome position (GRCh38, 1-based): chr13:51,937,631, C>A on the plus strand (G>T on the coding strand, the complement: ATP7B is on the minus strand). VCF-style: chr13-51937631-C-A. GRCh37 (hg19) VCF-style: chr13-52511767-C-A.
Other names: c.3742G>T, p.Ala1248Ser (NM_001406513.1); c.3715G>T, p.Ala1239Ser (NM_001406514.1); c.3694G>T, p.Ala1232Ser (NM_001406515.1, NM_001406516.1); c.3652G>T, p.Ala1218Ser (NM_001406517.1, NM_001406518.1); c.3613G>T, p.Ala1205Ser (NM_001406519.1); c.3604G>T, p.Ala1202Ser (NM_001406520.1, NM_001406521.1, NM_001406522.1); c.3565G>T, p.Ala1189Ser (NM_001406523.1); c.3571G>T, p.Ala1191Ser (NM_001406524.1); and 21 more; short protein forms A1023S, A1034S, A1043S, A1056S, A1086S, A1088S, A1101S, A1107S.
Identifiers: ClinVar variation 3387374 (VCV003387374.1).